The following is an entry in ClinVar:

NM_024664.4(PPCS):c.551T>C (p.Phe184Ser)

Genes: CCDC30 (coiled-coil domain containing 30; plus strand), PPCS (phosphopantothenoylcysteine synthetase; plus strand). Cytogenetic location: 1p34.2.
Variant type: single nucleotide variant.
Coding change: c.551T>C on transcript NM_024664.4 (MANE Select); coding-DNA position 551, T replaced by C.
Protein change: p.Phe184Ser; replaces phenylalanine 184 with serine.
Molecular consequence: missense variant. On other transcripts: 5 prime UTR variant (2).
Genome position (GRCh38, 1-based): chr1:42,457,289, T>C. VCF-style: chr1-42457289-T-C. GRCh37 (hg19) VCF-style: chr1-42922960-T-C.
Other names: c.-941T>C (NM_001355226.2); c.32T>C, p.Phe11Ser (NM_001077447.3, NM_001287506.1, NM_001287508.2 and 2 more transcripts); c.-285T>C (NM_001287507.1); c.551T>C, p.Phe184Ser (NM_001287511.2); short protein forms F184S, F11S.
Identifiers: ClinVar variation 1353135 (VCV001353135.7), dbSNP rs2148416854, ClinGen allele CA339947823.

ClinVar aggregate classification (germline): Uncertain significance (1 of 4 stars; one submission).

Submission:

Labcorp Genetics (formerly Invitae), Labcorp
Classification: Uncertain significance. Last evaluated: 2021-11-23. Review status: criteria provided, single submitter. Criteria: Invitae Variant Classification Sherloc (09022015). Collection method: clinical testing. Allele origin: germline.
Comment: This sequence change replaces phenylalanine, which is neutral and non-polar, with serine, which is neutral and polar, at codon 184 of the PPCS protein (p.Phe184Ser). This variant is not present in population databases (gnomAD no frequency). This variant has not been reported in the literature in individuals affected with PPCS-related conditions. Algorithms developed to predict the effect of missense changes on protein structure and function (SIFT, PolyPhen-2, Align-GVGD) all suggest that this variant is likely to be disruptive. In summary, the available evidence is currently insufficient to determine the role of this variant in disease. Therefore, it has been classified as a Variant of Uncertain Significance.